The following is an entry in ClinVar:

ClinVar aggregate classification (germline): Uncertain significance. Review status: criteria provided, multiple submitters, no conflicts (2 of 4 stars). 2 submissions from 2 submitters: Uncertain significance (2). Last evaluated 2024-07-14.

Conditions:
Hereditary pulmonary alveolar proteinosis. Also called: Pulmonary surfactant metabolism dysfunction. Identifiers: Orphanet 264675, MedGen C3711368, MONDO:0012580.
Interstitial lung disease due to ABCA3 deficiency. Also called: PULMONARY ALVEOLAR PROTEINOSIS, CONGENITAL, 3. Identifiers: Orphanet 440402, MedGen C1970456, MONDO:0012582, OMIM 610921.

Allele frequency attached by ClinVar (database versions not stated): ExAC 0.00001; TOPMed 0.00001; gnomAD 0.00002 and 0.00003; gnomAD exomes 0.00003.

Submissions (2):

Ambry Genetics
Classification: Uncertain significance for Hereditary pulmonary alveolar proteinosis. Last evaluated: 2024-07-14. Review status: criteria provided, single submitter. Criteria: Ambry Variant Classification Scheme 2023. Collection method: clinical testing. Allele origin: germline.
Comment: The p.M1178I variant (also known as c.3534G>A), located in coding exon 21 of the ABCA3 gene, results from a G to A substitution at nucleotide position 3534. The methionine at codon 1178 is replaced by isoleucine, an amino acid with highly similar properties. This amino acid position is conserved. In addition, this alteration is predicted to be tolerated by in silico analysis. Based on the available evidence, the clinical significance of this variant remains unclear.

Victorian Clinical Genetics Services, Murdoch Childrens Research Institute
Classification: Uncertain significance for Interstitial lung disease due to ABCA3 deficiency. Last evaluated: 2022-02-02. Review status: criteria provided, single submitter. Criteria: ACMG Guidelines, 2015. Collection method: clinical testing. Allele origin: germline. Inheritance: Autosomal recessive inheritance. Affected: yes.
Comment: Based on the classification scheme VCGS_Germline_v1.3.4, this variant is classified as VUS-3C. Following criteria are met: 0102 - Loss of function is a known mechanism of disease in this gene and is associated with surfactant metabolism dysfunction, pulmonary, 3 (MIM#610921). (I) 0106 - This gene is associated with autosomal recessive disease. (I) 0200 - Variant is predicted to result in a missense amino acid change from methionine to isoleucine. (I) 0251 - This variant is heterozygous. (I) 0304 - Variant is present in gnomAD (v2) <0.01 for a recessive condition (9 heterozygotes, 0 homozygotes). (SP) 0309 - An alternative amino acid change at the same position has been observed in gnomAD (v2) (3 heterozygotes, 0 homozygotes). (I) 0503 - Missense variant consistently predicted to be tolerated by multiple in silico tools or not conserved in placental mammals with a minor amino acid change. (SB) 0600 - Variant is located in the annotated ABC-2 family transporter protein (DECIPHER). (I) 0705 - No comparable missense variants have previous evidence for pathogenicity. (I) 0807 - This variant has no previous evidence of pathogenicity. (I) 0905 - No published segregation evidence has been identified for this variant. (I) 1007 - No published functional evidence has been identified for this variant. (I) 1208 - Inheritance information for this variant is not currently available in this individual. (I) Legend: (SP) - Supporting pathogenic, (I) - Information, (SB) - Supporting benign

NM_001089.3(ABCA3):c.3534G>A (p.Met1178Ile)

Gene: ABCA3 (ATP binding cassette subfamily A member 3; minus strand). Cytogenetic location: 16p13.3.
Variant type: single nucleotide variant.
Coding change: c.3534G>A on transcript NM_001089.3 (MANE Select); coding-DNA position 3534, G replaced by A.
Protein change: p.Met1178Ile; replaces methionine 1178 with isoleucine.
Molecular consequence: missense variant.
Genome position (GRCh38, 1-based): chr16:2,284,948, C>T on the plus strand (G>A on the coding strand, the complement: ABCA3 is on the minus strand). VCF-style: chr16-2284948-C-T. GRCh37 (hg19) VCF-style: chr16-2334949-C-T.
Other names: short protein forms M1178I.
Identifiers: ClinVar variation 1698981 (VCV001698981.7), dbSNP rs778869149, ClinGen allele CA7840466.